The following is an entry in ClinVar:

NM_182914.3(SYNE2):c.16843G>A (p.Ala5615Thr)

Gene: SYNE2 (spectrin repeat containing nuclear envelope protein 2; plus strand). Cytogenetic location: 14q23.2.
Variant type: single nucleotide variant.
Coding change: c.16843G>A on transcript NM_182914.3 (MANE Select); coding-DNA position 16843, G replaced by A.
Protein change: p.Ala5615Thr; replaces alanine 5615 with threonine.
Molecular consequence: missense variant.
Genome position (GRCh38, 1-based): chr14:64,167,577, G>A. VCF-style: chr14-64167577-G-A. GRCh37 (hg19) VCF-style: chr14-64634295-G-A.
Other names: c.16843G>A, p.Ala5615Thr (NM_015180.6); short protein forms A5615T.
Identifiers: ClinVar variation 3713499 (VCV003713499.2).

ClinVar aggregate classification (germline): Uncertain significance (1 of 4 stars; one submission).

Conditions:
Emery-Dreifuss muscular dystrophy 5, autosomal dominant (EDMD5). Also called: EMERY-DREIFUSS MUSCULAR DYSTROPHY 5. Identifiers: Orphanet 261, MedGen C2751805, MONDO:0013072, OMIM 612999.

gnomAD v4.1: 6 of 1,614,102 alleles (0.00037%); highest among the groups gnomAD compares: Non-Finnish European, 0.00051%; no homozygotes.

Submission:

Labcorp Genetics (formerly Invitae), Labcorp
Classification: Uncertain significance for Emery-Dreifuss muscular dystrophy 5, autosomal dominant. Last evaluated: 2024-07-15. Review status: criteria provided, single submitter. Criteria: Invitae Variant Classification Sherloc (09022015). Collection method: clinical testing. Allele origin: germline.
Comment: This sequence change replaces alanine, which is neutral and non-polar, with threonine, which is neutral and polar, at codon 5615 of the SYNE2 protein (p.Ala5615Thr). This variant is not present in population databases (gnomAD no frequency). This variant has not been reported in the literature in individuals affected with SYNE2-related conditions. An algorithm developed to predict the effect of missense changes on protein structure and function outputs the following: PolyPhen-2: "Benign". The threonine amino acid residue is found in multiple mammalian species, which suggests that this missense change does not adversely affect protein function. In summary, the available evidence is currently insufficient to determine the role of this variant in disease. Therefore, it has been classified as a Variant of Uncertain Significance.